The following is an entry in ClinVar:

ClinVar aggregate classification (germline): Uncertain significance (1 of 4 stars; one submission).

Submission:

Labcorp Genetics (formerly Invitae), Labcorp
Classification: Uncertain significance. Last evaluated: 2022-01-05. Review status: criteria provided, single submitter. Criteria: Invitae Variant Classification Sherloc (09022015). Collection method: clinical testing. Allele origin: germline.
Comment: In summary, the available evidence is currently insufficient to determine the role of this variant in disease. Therefore, it has been classified as a Variant of Uncertain Significance. Algorithms developed to predict the effect of missense changes on protein structure and function (SIFT, PolyPhen-2, Align-GVGD) all suggest that this variant is likely to be tolerated. This variant has not been reported in the literature in individuals affected with RIMS1-related conditions. This variant is not present in population databases (gnomAD no frequency). This sequence change replaces methionine, which is neutral and non-polar, with isoleucine, which is neutral and non-polar, at codon 1297 of the RIMS1 protein (p.Met1297Ile).

NM_014989.7(RIMS1):c.3891G>C (p.Met1297Ile)

Gene: RIMS1 (regulating synaptic membrane exocytosis 1; plus strand). Cytogenetic location: 6q13.
Variant type: single nucleotide variant.
Coding change: c.3891G>C on transcript NM_014989.7 (MANE Select); coding-DNA position 3891, G replaced by C.
Protein change: p.Met1297Ile; replaces methionine 1297 with isoleucine.
Molecular consequence: missense variant. On other transcripts: intron variant (24).
Genome position (GRCh38, 1-based): chr6:72,307,298, G>C. VCF-style: chr6-72307298-G-C. GRCh37 (hg19) VCF-style: chr6-73017001-G-C.
Other names: c.1851G>C, p.Met617Ile (NM_001168407.2); c.1812G>C, p.Met604Ile (NM_001350414.2); c.1935G>C, p.Met645Ile (NM_001350415.2); c.1884G>C, p.Met628Ile (NM_001350416.2); c.1857G>C, p.Met619Ile (NM_001350418.2); c.1965G>C, p.Met655Ile (NM_001350420.2); c.1710G>C, p.Met570Ile (NM_001350421.2); c.1626G>C, p.Met542Ile (NM_001350423.2, NM_001350444.2); and 51 more; short protein forms M1297I, M461I, M564I, M566I, M597I, M619I, M620I, M632I.
Identifiers: ClinVar variation 1966597 (VCV001966597.5), dbSNP rs2552194492, ClinGen allele CA364690324.
Genomic context (GRCh38, chr6:72,307,298, plus strand): 5'-TCCATTATGTGTTTTTGCAGCAAGCTTAGTAGTGGAGGAGCGAACAAGACAGATGAAAAT[G>C]AAAGTGCATCGATTTAAGCAGACAACAGGGTCTGGTTCTAGTCAAGAACTTGATCGCGAG-3'
Protein context (NP_055804.2, residues 1287-1307): VVEERTRQMK[Met1297Ile]KVHRFKQTTG